The following is an entry in ClinVar:

NM_001458.5(FLNC):c.2389+1G>T

Gene: FLNC (filamin C; plus strand). Cytogenetic location: 7q32.1.
Variant type: single nucleotide variant.
Coding change: c.2389+1G>T on transcript NM_001458.5 (MANE Select); the canonical splice donor site of the intron after coding-DNA position 2389, G replaced by T.
Molecular consequence: splice donor variant.
Genome position (GRCh38, 1-based): chr7:128,842,699, G>T. VCF-style: chr7-128842699-G-T. GRCh37 (hg19) VCF-style: chr7-128482753-G-T.
Other names: c.2389+1G>T (NM_001127487.2).
Identifiers: ClinVar variation 2133025 (VCV002133025.4), dbSNP rs2536631644, ClinGen allele CA369191456.

ClinVar aggregate classification (germline): Pathogenic (1 of 4 stars; one submission).

Conditions:
Distal myopathy with posterior leg and anterior hand involvement. Also called: WILLIAMS DISTAL MYOPATHY. Identifiers: Orphanet 63273, MedGen C3279722, MONDO:0013550, OMIM 614065.
Hypertrophic cardiomyopathy 26. Also called: Cardiomyopathy, familial hypertrophic, 26. Identifiers: Orphanet 75249, MedGen C4310749, MONDO:0014883, OMIM 617047.
Myofibrillar myopathy 5. Also called: Filaminopathy (type); FILAMINOPATHY, AUTOSOMAL DOMINANT. Identifiers: Orphanet 171445, MedGen C1836050, MONDO:0012289, OMIM 609524.

Submission:

Labcorp Genetics (formerly Invitae), Labcorp
Classification: Pathogenic for Distal myopathy with posterior leg and anterior hand involvement; Myofibrillar myopathy 5; Hypertrophic cardiomyopathy 26. Last evaluated: 2022-07-29. Review status: criteria provided, single submitter. Criteria: Invitae Variant Classification Sherloc (09022015). Collection method: clinical testing. Allele origin: germline.
Comment: This variant is not present in population databases (gnomAD no frequency). This sequence change affects a donor splice site in intron 15 of the FLNC gene. RNA analysis indicates that disruption of this splice site induces altered splicing and may result in an absent or disrupted protein product. Disruption of this splice site has been observed in individual(s) with dilated cardiomyopathy (PMID: 29551499). It has also been observed to segregate with disease in related individuals. Studies have shown that disruption of this splice site results in skipping of exon 15 and introduces a premature termination codon (PMID: 29551499). The resulting mRNA is expected to undergo nonsense-mediated decay. For these reasons, this variant has been classified as Pathogenic.

Literature cited by the submitters: PubMed 29551499.